The following is an entry in ClinVar:

ClinVar aggregate classification (germline): Likely pathogenic (0 of 4 stars; one submission).

Conditions:
COL11A1-related disorder. Also called: COL11A1-related condition; COL11A1-related disorders.

Allele frequency attached by ClinVar (database versions not stated): TOPMed 0.00001.

Submission:

PreventionGenetics, part of Exact Sciences
Classification: Likely pathogenic for COL11A1-related condition. Last evaluated: 2024-04-12. Review status: no assertion criteria provided. Collection method: clinical testing. Allele origin: germline.
Comment: The COL11A1 c.2709+1G>A variant is predicted to disrupt the GT donor site and interfere with normal splicing. To our knowledge, this variant has not been reported in the literature or in a large population database, indicating this variant is rare. Variants that disrupt the consensus splice donor site in COL11A1 are expected to be pathogenic. This variant is interpreted as likely pathogenic.

NM_001854.4(COL11A1):c.2709+1G>A

Gene: COL11A1 (collagen type XI alpha 1 chain; minus strand). Cytogenetic location: 1p21.1.
Variant type: single nucleotide variant.
Coding change: c.2709+1G>A on transcript NM_001854.4 (MANE Select); the canonical splice donor site of the intron after coding-DNA position 2709, G replaced by A.
Molecular consequence: splice donor variant.
Genome position (GRCh38, 1-based): chr1:102,978,859, C>T on the plus strand (G>A on the coding strand, the complement: COL11A1 is on the minus strand). VCF-style: chr1-102978859-C-T. GRCh37 (hg19) VCF-style: chr1-103444415-C-T.
Other names: c.2592+1G>A (NM_001190709.2); c.2745+1G>A (NM_080629.3); c.2361+1G>A (NM_080630.4).
Identifiers: ClinVar variation 3036103 (VCV003036103.2), dbSNP rs1662763051, ClinGen allele CA341163159.
Genomic context (GRCh38, chr1:102,978,859, plus strand): 5'-TAGCATCTGCCTGGAAAAAAAATCTACAGTAACATCCAAACAGAAAAAGTACAGGTGATA[C>T]CTTTGGCCCAGGTTTCCCAGTGGGACCTCTTGCACCTCTTGAACCTCGAGGACCCTGCAG-3'